The following is an entry in ClinVar:

ClinVar aggregate classification (germline): Pathogenic (1 of 4 stars; one submission).

Submission:

GeneDx
Classification: Pathogenic. Last evaluated: 2014-08-25. Review status: criteria provided, single submitter. Criteria: GeneDx Variant Classification (06012015). Collection method: clinical testing. Allele origin: germline. Affected: yes.
Comment: p.Thr412Ser (ACC>TCC): c.1234 A>T in exon 13 of the MYH7 gene (NM_000257.2). The T412S variant that is likely pathogenic was identified in the MYH7 gene. It has not been published as a mutation, nor has it been reported as a benign polymorphism to our knowledge. T412S variant is a conservative amino acid substitution, which is not likely to impact secondary protein structure as these residues share similar properties. However, the T412S variant was not observed in approximately 6,500 individuals of European and African American ancestry in the NHLBI Exome Sequencing Project, indicating it is not a common benign variant in these populations. This substitution occurs at a position that is conserved across species and in silico analysis predicts this variant is probably damaging to the protein structure/function. Furthermore, missense mutations in nearby residues (R403W, R403L, R403Q, V404M, V404L, V406M, G407V, V411I, Q418K) have been reported in association with HCM, supporting the functional importance of this region of the protein. Therefore, this variant is a strong candidate for a pathogenic mutation, however the possibility that it is a benign variant cannot be excluded. The variant is found in DCM-CRDM panel(s).

NM_000257.4(MYH7):c.1234A>T (p.Thr412Ser)

Gene: MYH7 (myosin heavy chain 7; minus strand). Cytogenetic location: 14q11.2.
Variant type: single nucleotide variant.
Coding change: c.1234A>T on transcript NM_000257.4 (MANE Select); coding-DNA position 1234, A replaced by T.
Protein change: p.Thr412Ser; replaces threonine 412 with serine.
Molecular consequence: missense variant.
Genome position (GRCh38, 1-based): chr14:23,429,252, T>A on the plus strand (A>T on the coding strand, the complement: MYH7 is on the minus strand). VCF-style: chr14-23429252-T-A. GRCh37 (hg19) VCF-style: chr14-23898461-T-A.
Other names: p.T412S:ACC>TCC; c.1234A>T (LRG_384t1); short protein forms T412S.
Identifiers: ClinVar variation 181340 (VCV000181340.2), dbSNP rs730880869, ClinGen allele CA010415.